The following is an entry in ClinVar:

NM_001037.5(SCN1B):c.448+198G>A

Gene: SCN1B (sodium voltage-gated channel beta subunit 1; plus strand). Cytogenetic location: 19q13.11.
Variant type: single nucleotide variant.
Coding change: c.448+198G>A on transcript NM_001037.5 (MANE Select); 198 bases into the intron after coding-DNA position 448, G replaced by A.
Molecular consequence: intron variant. On other transcripts: missense variant (1).
Genome position (GRCh38, 1-based): chr19:35,033,937, G>A. VCF-style: chr19-35033937-G-A. GRCh37 (hg19) VCF-style: chr19-35524841-G-A.
Other names: c.646G>A, p.Gly216Ser (NM_199037.5); c.349+198G>A (NM_001321605.2); short protein forms G216S.
Identifiers: ClinVar variation 1487496 (VCV001487496.8), dbSNP rs2151746635, ClinGen allele CA405329550.

ClinVar aggregate classification (germline): Uncertain significance (1 of 4 stars; one submission).

Conditions:
Brugada syndrome 5 (BRGDA5). Identifiers: Orphanet 130, Orphanet 871, MedGen C2748541, MONDO:0013015, OMIM 612838.

Submission:

Labcorp Genetics (formerly Invitae), Labcorp
Classification: Uncertain significance for Brugada syndrome 5. Last evaluated: 2022-06-20. Review status: criteria provided, single submitter. Criteria: Invitae Variant Classification Sherloc (09022015). Collection method: clinical testing. Allele origin: germline.
Comment: In summary, the available evidence is currently insufficient to determine the role of this variant in disease. Therefore, it has been classified as a Variant of Uncertain Significance. Algorithms developed to predict the effect of missense changes on protein structure and function (SIFT, PolyPhen-2, Align-GVGD) all suggest that this variant is likely to be tolerated. This variant has not been reported in the literature in individuals affected with SCN1B-related conditions. This variant is not present in population databases (gnomAD no frequency). This sequence change replaces glycine, which is neutral and non-polar, with serine, which is neutral and polar, at codon 216 of the SCN1B protein (p.Gly216Ser).